The following is an entry in ClinVar:

NM_020975.6(RET):c.1468C>A (p.Gln490Lys)

Gene: RET (ret proto-oncogene; plus strand). Cytogenetic location: 10q11.21.
Variant type: single nucleotide variant.
Coding change: c.1468C>A on transcript NM_020975.6 (MANE Select); coding-DNA position 1468, C replaced by A.
Protein change: p.Gln490Lys; replaces glutamine 490 with lysine.
Molecular consequence: missense variant.
Genome position (GRCh38, 1-based): chr10:43,111,411, C>A. VCF-style: chr10-43111411-C-A. GRCh37 (hg19) VCF-style: chr10-43606859-C-A.
Other names: c.1468C>A, p.Gln490Lys (NM_000323.2, NM_001406743.1, NM_001406744.1 and 6 more transcripts); c.706C>A, p.Gln236Lys (NM_001355216.2); c.1339C>A, p.Gln447Lys (NM_001406761.1, NM_001406762.1, NM_001406764.1 and 1 more transcripts); c.1180C>A, p.Gln394Lys (NM_001406766.1, NM_001406767.1, NM_001406770.1); c.1072C>A, p.Gln358Lys (NM_001406769.1, NM_001406772.1); c.1030C>A, p.Gln344Lys (NM_001406771.1, NM_001406773.1); c.943C>A, p.Gln315Lys (NM_001406774.1); c.742C>A, p.Gln248Lys (NM_001406775.1, NM_001406776.1, NM_001406777.1 and 1 more transcripts); and 1 more; short protein forms Q490K, Q236K, Q344K, Q248K, Q358K, Q394K, Q160K, Q315K.
Identifiers: ClinVar variation 653895 (VCV000653895.9), dbSNP rs1588871393, ClinGen allele CA376549774.

ClinVar aggregate classification (germline): Uncertain significance (1 of 4 stars; one submission).

Conditions:
Multiple endocrine neoplasia, type 2 (MEN2). Identifiers: Orphanet 653, MedGen C4048306, MONDO:0019003. Disease mechanism: gain of function.

Submission:

Labcorp Genetics (formerly Invitae), Labcorp
Classification: Uncertain significance for Multiple endocrine neoplasia, type 2. Last evaluated: 2022-07-18. Review status: criteria provided, single submitter. Criteria: Invitae Variant Classification Sherloc (09022015). Collection method: clinical testing. Allele origin: germline.
Comment: This sequence change replaces glutamine, which is neutral and polar, with lysine, which is basic and polar, at codon 490 of the RET protein (p.Gln490Lys). This variant is not present in population databases (gnomAD no frequency). This variant has not been reported in the literature in individuals affected with RET-related conditions. ClinVar contains an entry for this variant (Variation ID: 653895). Algorithms developed to predict the effect of missense changes on protein structure and function output the following: SIFT: "Tolerated"; PolyPhen-2: "Benign"; Align-GVGD: "Class C0". The lysine amino acid residue is found in multiple mammalian species, which suggests that this missense change does not adversely affect protein function. In summary, the available evidence is currently insufficient to determine the role of this variant in disease. Therefore, it has been classified as a Variant of Uncertain Significance.